The following is an entry in ClinVar:

ClinVar aggregate classification (germline): Uncertain significance (1 of 4 stars; one submission).

Submission:

Labcorp Genetics (formerly Invitae), Labcorp
Classification: Uncertain significance. Last evaluated: 2022-03-04. Review status: criteria provided, single submitter. Criteria: Invitae Variant Classification Sherloc (09022015). Collection method: clinical testing. Allele origin: germline.
Comment: In summary, the available evidence is currently insufficient to determine the role of this variant in disease. Therefore, it has been classified as a Variant of Uncertain Significance. Algorithms developed to predict the effect of missense changes on protein structure and function are either unavailable or do not agree on the potential impact of this missense change (SIFT: "Deleterious"; PolyPhen-2: "Possibly Damaging"; Align-GVGD: "Class C0"). This variant has not been reported in the literature in individuals affected with P3H2-related conditions. This variant is not present in population databases (gnomAD no frequency). This sequence change replaces isoleucine, which is neutral and non-polar, with methionine, which is neutral and non-polar, at codon 450 of the P3H2 protein (p.Ile450Met).

NM_018192.4(P3H2):c.1350C>G (p.Ile450Met)

Gene: P3H2 (prolyl 3-hydroxylase 2; minus strand). Cytogenetic location: 3q28.
Variant type: single nucleotide variant.
Coding change: c.1350C>G on transcript NM_018192.4 (MANE Select); coding-DNA position 1350, C replaced by G.
Protein change: p.Ile450Met; replaces isoleucine 450 with methionine.
Molecular consequence: missense variant.
Genome position (GRCh38, 1-based): chr3:189,974,660, G>C on the plus strand (C>G on the coding strand, the complement: P3H2 is on the minus strand). VCF-style: chr3-189974660-G-C. GRCh37 (hg19) VCF-style: chr3-189692449-G-C.
Other names: c.807C>G, p.Ile269Met (NM_001134418.2); short protein forms I450M, I269M.
Identifiers: ClinVar variation 2092063 (VCV002092063.4), dbSNP rs967385582, ClinGen allele CA89722206.